The following is an entry in ClinVar:

NM_000178.4(GSS):c.553A>G (p.Ser185Gly)

Gene: GSS (glutathione synthetase; minus strand). Cytogenetic location: 20q11.22.
Variant type: single nucleotide variant.
Coding change: c.553A>G on transcript NM_000178.4 (MANE Select); coding-DNA position 553, A replaced by G.
Protein change: p.Ser185Gly; replaces serine 185 with glycine.
Molecular consequence: missense variant.
Genome position (GRCh38, 1-based): chr20:34,941,768, T>C on the plus strand (A>G on the coding strand, the complement: GSS is on the minus strand). VCF-style: chr20-34941768-T-C. GRCh37 (hg19) VCF-style: chr20-33529571-T-C.
Other names: c.553A>G, p.Ser185Gly (NM_001322494.1, NM_001322495.1); short protein forms S185G.
Identifiers: ClinVar variation 2452166 (VCV002452166.2), dbSNP rs767228840, ClinGen allele CA9826049.

ClinVar aggregate classification (germline): Uncertain significance (1 of 4 stars; one submission).

Conditions:
Inborn genetic diseases. Identifiers: MedGen C0950123, MeSH D030342.

Allele frequency attached by ClinVar (database versions not stated): gnomAD exomes below 0.00001; ExAC 0.00001; TOPMed 0.00001.
gnomAD v4.1: 1 of 1,612,122 alleles (0.000062%); highest among the groups gnomAD compares: Admixed American, 0.0017%; no homozygotes.

Submission:

Ambry Genetics
Classification: Uncertain significance for Inborn genetic diseases. Last evaluated: 2023-01-22. Review status: criteria provided, single submitter. Criteria: Ambry Variant Classification Scheme 2023. Collection method: clinical testing. Allele origin: germline.
Comment: The p.S185G variant (also known as c.553A>G), located in coding exon 5 of the GSS gene, results from an A to G substitution at nucleotide position 553. The serine at codon 185 is replaced by glycine, an amino acid with similar properties. This amino acid position is conserved. In addition, the in silico prediction for this alteration is inconclusive. Since supporting evidence is limited at this time, the clinical significance of this alteration remains unclear.